The following is an entry in ClinVar:

NM_016203.4(PRKAG2):c.1635T>C (p.Ile545=)

Gene: PRKAG2 (protein kinase AMP-activated non-catalytic subunit gamma 2; minus strand). Cytogenetic location: 7q36.1.
Variant type: single nucleotide variant.
Coding change: c.1635T>C on transcript NM_016203.4 (MANE Select); coding-DNA position 1635, T replaced by C.
Protein change: p.Ile545=; no amino-acid change (isoleucine 545 retained).
Molecular consequence: synonymous variant.
Genome position (GRCh38, 1-based): chr7:151,560,567, A>G on the plus strand (T>C on the coding strand, the complement: PRKAG2 is on the minus strand). VCF-style: chr7-151560567-A-G. GRCh37 (hg19) VCF-style: chr7-151257653-A-G.
Other names: c.1503T>C, p.Ile501= (NM_001040633.2); c.1260T>C, p.Ile420= (NM_001304527.2); c.912T>C, p.Ile304= (NM_001304531.2, NM_024429.2); c.1263T>C, p.Ile421= (NM_001363698.2); c.1635T>C (NM_016203.3).
Identifiers: ClinVar variation 1171209 (VCV001171209.5), dbSNP rs1804702981, ClinGen allele CA458662293.
Genomic context (GRCh38, chr7:151,560,567, plus strand): 5'-AGAAACCAGCATTTTACCTGCTGGTGTGAGGATCAGGGCTTGCAGAATGTCCGACAGGGA[A>G]ATAATACCCACAATACTATCTGCTTCATTTACCACCACCAGCCGATGGACCTGCAAAGAG-3'
Protein context (NP_057287.2, residues 535-555): VNEADSIVGI[Ile545=]SLSDILQALI

ClinVar aggregate classification (germline): Likely benign. Review status: criteria provided, multiple submitters, no conflicts (2 of 4 stars). 4 submissions from 4 submitters: Likely benign (4). Last evaluated 2026-02-03.

Conditions:
Cardiovascular phenotype. Identifiers: MedGen CN230736.
Cardiomyopathy (CMYO). Also called: Cardiomyopathies. Identifiers: Orphanet 167848, MedGen C0878544, MONDO:0004994, HP:0001638. Inheritance: Various modes of inheritance.
Lethal congenital glycogen storage disease of heart. Also called: PHOSPHORYLASE KINASE DEFICIENCY OF HEART; GLYCOGEN STORAGE DISEASE OF HEART. Identifiers: Orphanet 439854, MedGen C1849813, MONDO:0009867, OMIM 261740.
Hypertrophic cardiomyopathy. Also called: HYPERTROPHIC MYOCARDIOPATHY. Identifiers: Orphanet 217569, MedGen C0007194, MeSH D002312, MONDO:0005045, HP:0001639.

Allele frequency attached by ClinVar (database versions not stated): gnomAD exomes below 0.00001; TOPMed below 0.00001.
gnomAD v4.1: 2 of 1,614,052 alleles (0.00012%); highest among the groups gnomAD compares: Non-Finnish European, 0.00017%; no homozygotes.

Submissions (4):

Labcorp Genetics (formerly Invitae), Labcorp
Classification: Likely benign for Lethal congenital glycogen storage disease of heart. Last evaluated: 2026-02-03. Review status: criteria provided, single submitter. Criteria: Invitae Variant Classification Sherloc (09022015). Collection method: clinical testing. Allele origin: germline.

Ambry Genetics
Classification: Likely benign for Cardiovascular phenotype. Last evaluated: 2023-12-25. Review status: criteria provided, single submitter. Criteria: Ambry Variant Classification Scheme 2023. Collection method: clinical testing. Allele origin: germline.

All of Us Research Program, National Institutes of Health
Classification: Likely benign for Hypertrophic cardiomyopathy. Last evaluated: 2023-11-28. Review status: criteria provided, single submitter. Criteria: ACMG Guidelines, 2015. Collection method: clinical testing. Allele origin: germline. Inheritance: Autosomal dominant inheritance. Observed: 1 variant allele, 1 heterozygote.
Comment: This study involves interpretation of variants in research participants for the purpose of population health screening. Participant phenotype was not available at the time of variant classification. Additional details can be found in publication PMID: 35346344, PMCID: PMC8962531

Color Diagnostics, LLC DBA Color Health
Classification: Likely benign for Cardiomyopathy. Last evaluated: 2020-12-08. Review status: criteria provided, single submitter. Criteria: ACMG Guidelines, 2015. Collection method: clinical testing. Allele origin: germline.